The following is an entry in ClinVar:

ClinVar aggregate classification (germline): Uncertain significance (1 of 4 stars; one submission).

Submission:

GeneDx
Classification: Uncertain significance. Last evaluated: 2020-02-24. Review status: criteria provided, single submitter. Criteria: GeneDx Variant Classification Process June 2021. Collection method: clinical testing. Allele origin: germline. Affected: yes.
Comment: Has not been previously published as pathogenic or benign to our knowledge; Not observed in large population cohorts (Lek et al., 2016); In silico analysis supports that this missense variant has a deleterious effect on protein structure/function; Variant is located in one of the three hot-spot regions of the RYR2 gene, where the majority of pathogenic missense variants occur (Medeiros-Domingo et al., 2009)

NM_001035.3(RYR2):c.12424G>C (p.Ala4142Pro)

Genes: RYR2 (ryanodine receptor 2; plus strand), LOC126806068 (BRD4-independent group 4 enhancer GRCh37_chr1:237947411-237948610; plus strand). Cytogenetic location: 1q43.
Variant type: single nucleotide variant.
Coding change: c.12424G>C on transcript NM_001035.3 (MANE Select); coding-DNA position 12424, G replaced by C.
Protein change: p.Ala4142Pro; replaces alanine 4142 with proline.
Molecular consequence: missense variant.
Genome position (GRCh38, 1-based): chr1:237,784,136, G>C. VCF-style: chr1-237784136-G-C. GRCh37 (hg19) VCF-style: chr1-237947436-G-C.
Other names: short protein forms A4142P.
Identifiers: ClinVar variation 1190199 (VCV001190199.2), dbSNP rs761834154, ClinGen allele CA345413212.